The following is an entry in ClinVar:

NM_177438.3(DICER1):c.4407_4408del (p.Pro1471fs)

Gene: DICER1 (dicer 1, ribonuclease III; minus strand). Cytogenetic location: 14q32.13.
Variant type: Deletion.
Coding change: c.4407_4408del on transcript NM_177438.3 (MANE Select); coding-DNA positions 4407 to 4408, 2 bases deleted (TT; older notation c.4407_4408delTT).
Protein change: p.Pro1471fs; shifts the reading frame from proline 1471.
Molecular consequence: frameshift variant.
Genome position (GRCh38, 1-based): chr14:95,096,512-95,096,513, AA deleted on the plus strand (TT on the coding strand, the reverse complement: DICER1 is on the minus strand); deleting any 2 consecutive bases within chr14:95,096,512-95,096,514 gives the same sequence; the c. name uses the placement nearest the transcript's 3' end. VCF-style (leftmost placement, unchanged base first): chr14-95096511-GAA-G. GRCh37 (hg19) VCF-style: chr14-95562848-GAA-G.
Other names: c.4407_4408delTT (NM_177438.2); c.4407_4408del, p.Pro1471fs (NM_001195573.1, NM_001271282.3, NM_001291628.2 and 1 more transcripts); short protein forms P1471fs.
Identifiers: ClinVar variation 254333 (VCV000254333.6), dbSNP rs886037713, ClinGen allele CA10586417.

ClinVar aggregate classification (germline): Pathogenic. Review status: criteria provided, multiple submitters, no conflicts (2 of 4 stars). 3 submissions from 3 submitters: Pathogenic (3). Last evaluated 2019-07-01.

Conditions:
Hereditary cancer-predisposing syndrome. Also called: Tumor predisposition; Hereditary Cancer Syndrome; Neoplastic Syndromes, Hereditary; Hereditary neoplastic syndrome. Identifiers: Orphanet 140162, MedGen C0027672, MeSH D009386, MONDO:0015356.
DICER1-related tumor predisposition. Also called: DICER1 syndrome; DICER1-related pleuropulmonary blastoma cancer predisposition syndrome. Identifiers: Orphanet 284343, MedGen C3839822, MONDO:0100216.

Submissions (3):

Foulkes Cancer Genetics LDI, Lady Davis Institute for Medical Research
Classification: Pathogenic for Pleuropulmonary blastoma. Last evaluated: 2019-07-01. Review status: criteria provided, single submitter. Criteria: ACMG Guidelines, 2015. Collection method: curation. Allele origin: germline. Affected: yes. Observed: 1 variant allele.
Comment: ACMG criteria met: PVS1, PM2, PP4

International Pleuropulmonary Blastoma Registry, Children's Hospitals and Clinics of Minnesota
Classification: Pathogenic for Pleuropulmonary blastoma. Last evaluated: 2014-11-10. Review status: criteria provided, single submitter. Criteria: Hill et al. (Science. 2009). Collection method: clinical testing. Allele origin: germline. Affected: yes. Study: PPB-DICER1 Genetic study.

Ambry Genetics
Classification: Pathogenic for Hereditary cancer-predisposing syndrome. Last evaluated: 2012-02-02. Review status: criteria provided, single submitter. Criteria: Ambry Autosomal Dominant and X-Linked criteria (10/2015). Collection method: clinical testing. Allele origin: germline. Observed: 1 variant allele.
Comment: This alteration is expected to result in loss of function by premature protein truncation or nonsense-mediatedâ€¯mRNAâ€¯decay.â€¯As such, this alteration is interpreted as a disease-causing mutation.

Literature cited by the submitters: PubMed 26925222 (cited by Foulkes Cancer Genetics LDI, Lady Davis Institute for Medical Research and International Pleuropulmonary Blastoma Registry, Children's Hospitals and Clinics of Minnesota).